The following is an entry in ClinVar:

NM_020975.6(RET):c.8A>G (p.Lys3Arg)

Genes: RET (ret proto-oncogene; plus strand), LOC106736614 (RET 5' regulatory region; plus strand). Cytogenetic location: 10q11.21.
Variant type: single nucleotide variant.
Coding change: c.8A>G on transcript NM_020975.6 (MANE Select); coding-DNA position 8, A replaced by G.
Protein change: p.Lys3Arg; replaces lysine 3 with arginine.
Molecular consequence: missense variant.
Genome position (GRCh38, 1-based): chr10:43,077,266, A>G. VCF-style: chr10-43077266-A-G. GRCh37 (hg19) VCF-style: chr10-43572714-A-G.
Other names: c.8A>G, p.Lys3Arg (NM_001406743.1, NM_001406744.1, NM_001406759.1 and 36 more transcripts); short protein forms K3R.
Identifiers: ClinVar variation 3600946 (VCV003600946.2).

ClinVar aggregate classification (germline): Uncertain significance. Review status: criteria provided, multiple submitters, no conflicts (2 of 4 stars). 2 submissions from 2 submitters: Uncertain significance (2). Last evaluated 2025-06-16.

Conditions:
Hereditary cancer-predisposing syndrome. Also called: Tumor predisposition; Hereditary neoplastic syndrome; Neoplastic Syndromes, Hereditary; Hereditary Cancer Syndrome. Identifiers: Orphanet 140162, MedGen C0027672, MeSH D009386, MONDO:0015356.

Submissions (2):

Ambry Genetics
Classification: Uncertain significance for Hereditary cancer-predisposing syndrome. Last evaluated: 2025-06-16. Review status: criteria provided, single submitter. Criteria: Ambry Variant Classification Scheme 2023. Collection method: clinical testing. Allele origin: germline.
Comment: The p.K3R variant (also known as c.8A>G), located in coding exon 1 of the RET gene, results from an A to G substitution at nucleotide position 8. The lysine at codon 3 is replaced by arginine, an amino acid with highly similar properties. This amino acid position is well conserved in available vertebrate species. In addition, the in silico prediction for this alteration is inconclusive. Based on the available evidence, the clinical significance of this variant remains unclear.

GeneDx
Classification: Uncertain significance. Last evaluated: 2024-07-23. Review status: criteria provided, single submitter. Criteria: GeneDx Variant Classification Process June 2021. Collection method: clinical testing. Allele origin: germline. Affected: yes.
Comment: Not observed at significant frequency in large population cohorts (gnomAD); In silico analysis indicates that this missense variant does not alter protein structure/function; Has not been previously published as pathogenic or benign to our knowledge